The following is an entry in ClinVar:

ClinVar aggregate classification (germline): Likely benign (0 of 4 stars; one submission).

Conditions:
PLXNA1-related disorder. Also called: PLXNA1-related condition.

Submission:

PreventionGenetics, part of Exact Sciences
Classification: Likely benign for PLXNA1-related condition. Last evaluated: 2021-07-21. Review status: no assertion criteria provided. Collection method: clinical testing. Allele origin: germline.
Comment: This variant is classified as likely benign based on ACMG/AMP sequence variant interpretation guidelines (Richards et al. 2015 PMID: 25741868, with internal and published modifications).

NM_032242.4(PLXNA1):c.4295+10G>A

Gene: PLXNA1 (plexin A1; plus strand). Cytogenetic location: 3q21.3.
Variant type: single nucleotide variant.
Coding change: c.4295+10G>A on transcript NM_032242.4 (MANE Select); 10 bases into the intron after coding-DNA position 4295, G replaced by A.
Molecular consequence: intron variant.
Genome position (GRCh38, 1-based): chr3:127,022,351, G>A. VCF-style: chr3-127022351-G-A. GRCh37 (hg19) VCF-style: chr3-126741194-G-A.
Identifiers: ClinVar variation 3032500 (VCV003032500.2), dbSNP rs370474043, ClinGen allele CA2594277.